The following is an entry in ClinVar:

NM_000329.3(RPE65):c.1238G>A (p.Arg413His)

Gene: RPE65 (retinoid isomerohydrolase RPE65; minus strand). Cytogenetic location: 1p31.3.
Variant type: single nucleotide variant.
Coding change: c.1238G>A on transcript NM_000329.3 (MANE Select); coding-DNA position 1238, G replaced by A.
Protein change: p.Arg413His; replaces arginine 413 with histidine.
Molecular consequence: missense variant.
Genome position (GRCh38, 1-based): chr1:68,431,476, C>T on the plus strand (G>A on the coding strand, the complement: RPE65 is on the minus strand). VCF-style: chr1-68431476-C-T. GRCh37 (hg19) VCF-style: chr1-68897159-C-T.
Other names: short protein forms R413H.
Identifiers: ClinVar variation 874186 (VCV000874186.11), dbSNP rs200950327, ClinGen allele CA902247.

ClinVar aggregate classification (germline): Uncertain significance. Review status: criteria provided, multiple submitters, no conflicts (2 of 4 stars). 6 submissions from 5 submitters: Uncertain significance (6). Last evaluated 2025-03-05.

Conditions:
Retinal dystrophy. Also called: Inherited retinal dystrophy. Identifiers: Orphanet 71862, MedGen C0854723, MeSH D058499, MONDO:0019118, HP:0000556.
Cone-rod dystrophy 15 (CORD15). Identifiers: MedGen C3150912, MONDO:0013348, OMIM 613660.
Retinitis pigmentosa (RP). Identifiers: Orphanet 791, MedGen C0035334, MeSH D012174, MONDO:0019200, OMIM 268000. Inheritance: Autosomal dominant, autosomal recessive and X linked inheritance.
Leber congenital amaurosis 2 (LCA2). Also called: Autosomal Recessive RPE65-Related Retinal Degeneration; AMAUROSIS CONGENITA OF LEBER II. Identifiers: Orphanet 65, MedGen C1859844, MONDO:0008765, OMIM 204100. Disease mechanism: loss of function.
Retinitis pigmentosa 20 (RP20). Identifiers: Orphanet 791, MedGen C3151086, MONDO:0013425, OMIM 613794.

Allele frequency attached by ClinVar (database versions not stated): TOPMed 0.00003; gnomAD exomes 0.00005; gnomAD 0.00006 and 0.00007; ExAC 0.00008; 1000 Genomes Project 30x 0.00016; 1000 Genomes Project 0.00020.
gnomAD v4.1: 88 of 1,613,778 alleles (0.0055%); highest among the groups gnomAD compares: East Asian, 0.078%; no homozygotes.

Submissions (6):

Labcorp Genetics (formerly Invitae), Labcorp
Classification: Uncertain significance for Leber congenital amaurosis 2; Retinitis pigmentosa 20. Last evaluated: 2025-03-05. Review status: criteria provided, single submitter. Criteria: Invitae Variant Classification Sherloc (09022015). Collection method: clinical testing. Allele origin: germline.
Comment: This sequence change replaces arginine, which is basic and polar, with histidine, which is basic and polar, at codon 413 of the RPE65 protein (p.Arg413His). This variant is present in population databases (rs200950327, gnomAD 0.07%). This variant has not been reported in the literature in individuals affected with RPE65-related conditions. ClinVar contains an entry for this variant (Variation ID: 874186). Invitae Evidence Modeling of protein sequence and biophysical properties (such as structural, functional, and spatial information, amino acid conservation, physicochemical variation, residue mobility, and thermodynamic stability) indicates that this missense variant is not expected to disrupt RPE65 protein function with a negative predictive value of 80%. In summary, the available evidence is currently insufficient to determine the role of this variant in disease. Therefore, it has been classified as a Variant of Uncertain Significance.

Blueprint Genetics
Classification: Uncertain significance. Last evaluated: 2024-11-18. Review status: criteria provided, single submitter. Criteria: ACMG Guidelines, 2015. Collection method: clinical testing. Allele origin: germline.

Dept Of Ophthalmology, Nagoya University
Classification: Uncertain significance for Retinal dystrophy. Last evaluated: 2023-10-01. Review status: criteria provided, single submitter. Criteria: Submitter's publication. Collection method: research. Allele origin: germline. Affected: yes.

Genome-Nilou Lab
Classification: Uncertain significance for Cone-rod dystrophy 15. Last evaluated: 2021-07-22. Review status: criteria provided, single submitter. Criteria: ACMG Guidelines, 2015. Collection method: clinical testing. Allele origin: germline. Affected: no.

Illumina Laboratory Services, Illumina
Classification: Uncertain significance for Leber congenital amaurosis 2. Last evaluated: 2017-04-27. Review status: criteria provided, single submitter. Criteria: ICSL Variant Classification Criteria 13 December 2019. Collection method: clinical testing. Allele origin: germline.

Illumina Laboratory Services, Illumina
Classification: Uncertain significance for Retinitis pigmentosa. Last evaluated: 2017-04-27. Review status: criteria provided, single submitter. Criteria: ICSL Variant Classification Criteria 13 December 2019. Collection method: clinical testing. Allele origin: germline.